The following is an entry in ClinVar:

NM_000823.4(GHRHR):c.622G>A (p.Ala208Thr)

Gene: GHRHR (growth hormone releasing hormone receptor; plus strand). Cytogenetic location: 7p14.3.
Variant type: single nucleotide variant.
Coding change: c.622G>A on transcript NM_000823.4 (MANE Select); coding-DNA position 622, G replaced by A.
Protein change: p.Ala208Thr; replaces alanine 208 with threonine.
Molecular consequence: missense variant.
Genome position (GRCh38, 1-based): chr7:30,974,009, G>A. VCF-style: chr7-30974009-G-A. GRCh37 (hg19) VCF-style: chr7-31013624-G-A.
Other names: short protein forms A208T.
Identifiers: ClinVar variation 2152025 (VCV002152025.4), dbSNP rs758281879, ClinGen allele CA4208595.
Genomic context (GRCh38, chr7:30,974,009, plus strand): 5'-GTCCCAGCTCTGAAGCACCCAGGTCCTGGCCCCCAGGTTCTATGCAAGGTCTCTGTGGCC[G>A]CCTCCCATTTCGCCACCATGACCAACTTCAGCTGGCTGTTGGCAGAAGCCGTCTACCTGA-3'
Protein context (NP_000814.2, residues 198-218): STVLCKVSVA[Ala208Thr]SHFATMTNFS

ClinVar aggregate classification (germline): Uncertain significance (1 of 4 stars; one submission).

Allele frequency attached by ClinVar (database versions not stated): ExAC 0.00002; gnomAD exomes 0.00002; gnomAD 0.00005; TOPMed 0.00007.
gnomAD v4.1: 40 of 1,613,616 alleles (0.0025%); highest among the groups gnomAD compares: East Asian, 0.0045%; no homozygotes.

Submission:

Labcorp Genetics (formerly Invitae), Labcorp
Classification: Uncertain significance. Last evaluated: 2022-09-27. Review status: criteria provided, single submitter. Criteria: Invitae Variant Classification Sherloc (09022015). Collection method: clinical testing. Allele origin: germline.
Comment: In summary, the available evidence is currently insufficient to determine the role of this variant in disease. Therefore, it has been classified as a Variant of Uncertain Significance. Advanced modeling of protein sequence and biophysical properties (such as structural, functional, and spatial information, amino acid conservation, physicochemical variation, residue mobility, and thermodynamic stability) performed at Invitae indicates that this missense variant is not expected to disrupt GHRHR protein function. This missense change has been observed in individual(s) with isolated growth hormone deficiency (PMID: 28910730). This variant is present in population databases (rs758281879, gnomAD 0.006%). This sequence change replaces alanine, which is neutral and non-polar, with threonine, which is neutral and polar, at codon 208 of the GHRHR protein (p.Ala208Thr).

Literature cited by the submitters: PubMed 28910730.